The following is an entry in ClinVar:

NM_018834.6(MATR3):c.1874A>C (p.Lys625Thr)

Genes: MATR3 (matrin 3; plus strand), LOC126807526 (CDK7 strongly-dependent group 2 enhancer GRCh37_chr5:138657767-138658966; plus strand). Cytogenetic location: 5q31.2.
Variant type: single nucleotide variant.
Coding change: c.1874A>C on transcript NM_018834.6 (MANE Select); coding-DNA position 1874, A replaced by C.
Protein change: p.Lys625Thr; replaces lysine 625 with threonine.
Molecular consequence: missense variant.
Genome position (GRCh38, 1-based): chr5:139,322,693, A>C. VCF-style: chr5-139322693-A-C. GRCh37 (hg19) VCF-style: chr5-138658382-A-C.
Other names: c.1874A>C, p.Lys625Thr (NM_001194954.2, NM_001194955.2, NM_199189.3); c.1010A>C, p.Lys337Thr (NM_001194956.2); c.860A>C, p.Lys287Thr (NM_001282278.2); short protein forms K287T, K625T, K337T.
Identifiers: ClinVar variation 644662 (VCV000644662.9), dbSNP rs1488614478, ClinGen allele CA361143749.

ClinVar aggregate classification (germline): Uncertain significance (1 of 4 stars; one submission).

Conditions:
Amyotrophic lateral sclerosis type 21. Also called: VOCAL CORD AND PHARYNGEAL DYSFUNCTION WITH DISTAL MYOPATHY; MYOPATHY, DISTAL, 2. Identifiers: Orphanet 600, Orphanet 803, MedGen C3807521, MONDO:0011632, OMIM 606070.

Allele frequency attached by ClinVar (database versions not stated): TOPMed below 0.00001; gnomAD 0.00001.

Submission:

Labcorp Genetics (formerly Invitae), Labcorp
Classification: Uncertain significance for Amyotrophic lateral sclerosis type 21. Last evaluated: 2022-08-15. Review status: criteria provided, single submitter. Criteria: Invitae Variant Classification Sherloc (09022015). Collection method: clinical testing. Allele origin: germline.
Comment: This sequence change replaces lysine, which is basic and polar, with threonine, which is neutral and polar, at codon 625 of the MATR3 protein (p.Lys625Thr). This variant is not present in population databases (gnomAD no frequency). This variant has not been reported in the literature in individuals affected with MATR3-related conditions. ClinVar contains an entry for this variant (Variation ID: 644662). Algorithms developed to predict the effect of missense changes on protein structure and function are either unavailable or do not agree on the potential impact of this missense change (SIFT: "Tolerated"; PolyPhen-2: "Probably Damaging"; Align-GVGD: "Class C0"). In summary, the available evidence is currently insufficient to determine the role of this variant in disease. Therefore, it has been classified as a Variant of Uncertain Significance.